The following is an entry in ClinVar:

NM_017433.5(MYO3A):c.2417-13T>C

Gene: MYO3A (myosin IIIA; plus strand). Cytogenetic location: 10p12.1.
Variant type: single nucleotide variant.
Coding change: c.2417-13T>C on transcript NM_017433.5 (MANE Select); 13 bases into the intron before coding-DNA position 2417, T replaced by C.
Molecular consequence: intron variant.
Genome position (GRCh38, 1-based): chr10:26,145,433, T>C. VCF-style: chr10-26145433-T-C. GRCh37 (hg19) VCF-style: chr10-26434362-T-C.
Identifiers: ClinVar variation 2442679 (VCV002442679.1), dbSNP rs776428448, ClinGen allele CA5444960.

ClinVar aggregate classification (germline): Uncertain significance (1 of 4 stars; one submission).

Allele frequency attached by ClinVar (database versions not stated): ExAC 0.00001; TOPMed 0.00001.
gnomAD v4.1: 2 of 1,527,532 alleles (0.00013%); highest among the groups gnomAD compares: Admixed American, 0.0033%; no homozygotes.

Submission:

GeneDx
Classification: Uncertain significance. Last evaluated: 2023-03-02. Review status: criteria provided, single submitter. Criteria: GeneDx Variant Classification Process June 2021. Collection method: clinical testing. Allele origin: germline. Affected: yes.
Comment: Not observed at significant frequency in large population cohorts (gnomAD); In silico analysis supports that this variant does not alter splicing; Has not been previously published as pathogenic or benign to our knowledge